The following is an entry in ClinVar:

ClinVar aggregate classification (germline): Uncertain significance (1 of 4 stars; one submission).

Submission:

Labcorp Genetics (formerly Invitae), Labcorp
Classification: Uncertain significance. Last evaluated: 2025-10-02. Review status: criteria provided, single submitter. Criteria: Invitae Variant Classification Sherloc (09022015). Collection method: clinical testing. Allele origin: germline.
Comment: This sequence change replaces glycine, which is neutral and non-polar, with serine, which is neutral and polar, at codon 192 of the TIMMDC1 protein (p.Gly192Ser). This variant is not present in population databases (gnomAD no frequency). This variant has not been reported in the literature in individuals affected with TIMMDC1-related conditions. ClinVar contains an entry for this variant (Variation ID: 2023460). Invitae Evidence Modeling of protein sequence and biophysical properties (such as structural, functional, and spatial information, amino acid conservation, physicochemical variation, residue mobility, and thermodynamic stability) indicates that this missense variant is not expected to disrupt TIMMDC1 protein function with a negative predictive value of 80%. In summary, the available evidence is currently insufficient to determine the role of this variant in disease. Therefore, it has been classified as a Variant of Uncertain Significance.

NM_016589.4(TIMMDC1):c.574G>A (p.Gly192Ser)

Gene: TIMMDC1 (translocase of inner mitochondrial membrane domain containing 1; plus strand). Cytogenetic location: 3q13.33.
Variant type: single nucleotide variant.
Coding change: c.574G>A on transcript NM_016589.4 (MANE Select); coding-DNA position 574, G replaced by A.
Protein change: p.Gly192Ser; replaces glycine 192 with serine.
Molecular consequence: missense variant.
Genome position (GRCh38, 1-based): chr3:119,513,697, G>A. VCF-style: chr3-119513697-G-A. GRCh37 (hg19) VCF-style: chr3-119232544-G-A.
Other names: short protein forms G192S.
Identifiers: ClinVar variation 2023460 (VCV002023460.4), dbSNP rs2473080586, ClinGen allele CA354029342.
Genomic context (GRCh38, chr3:119,513,697, plus strand): 5'-ATAGCTGTCACGGGAAGTCTTTTTAGGATAAACGTAGGCCTGCGTGGCCTGGTGGCTGGT[G>A]GCATAATTGGAGCCTTGCTGGGGTAAGCATTAACATGGTTTGGTTCTAAATTGGCACAAT-3'
Protein context (NP_057673.2, residues 182-202): NVGLRGLVAG[Gly192Ser]IIGALLGTPV